The following is an entry in ClinVar:

ClinVar aggregate classification (germline): Pathogenic (1 of 4 stars; one submission).

Conditions:
Ectodermal dysplasia 10A, hypohidrotic/hair/nail type, autosomal dominant (ECTD10A). Also called: Ectodermal Dysplasia 3, Anhidrotic. Identifiers: Orphanet 1810, Orphanet 238468, MedGen C3888065, MONDO:0007509, OMIM 129490.
Autosomal recessive hypohidrotic ectodermal dysplasia syndrome. Also called: Autosomal recessive hypohidrotic ectodermal dysplasia. Identifiers: Orphanet 248, MedGen C0406702, MONDO:0016619.

Allele frequency attached by ClinVar (database versions not stated): gnomAD 0.00001; TOPMed 0.00001.
gnomAD v4.1: 37 of 1,614,022 alleles (0.0023%); highest among the groups gnomAD compares: African/African-American, 0.004%; no homozygotes.

Submission:

Labcorp Genetics (formerly Invitae), Labcorp
Classification: Pathogenic for Ectodermal dysplasia 10A, hypohidrotic/hair/nail type, autosomal dominant; Autosomal recessive hypohidrotic ectodermal dysplasia syndrome. Last evaluated: 2022-05-16. Review status: criteria provided, single submitter. Criteria: Invitae Variant Classification Sherloc (09022015). Collection method: clinical testing. Allele origin: germline.
Comment: Advanced modeling of protein sequence and biophysical properties (such as structural, functional, and spatial information, amino acid conservation, physicochemical variation, residue mobility, and thermodynamic stability) performed at Invitae indicates that this missense variant is expected to disrupt EDAR protein function. For these reasons, this variant has been classified as Pathogenic. This variant disrupts the p.Arg98 amino acid residue in EDAR. Other variant(s) that disrupt this residue have been determined to be pathogenic (PMID: 22032522; Invitae). This suggests that this residue is clinically significant, and that variants that disrupt this residue are likely to be disease-causing. This missense change has been observed in individual(s) with ectodermal dysplasia (PMID: 19438931). This variant is present in population databases (rs144473052, gnomAD 0.01%). This sequence change replaces arginine, which is basic and polar, with glutamine, which is neutral and polar, at codon 98 of the EDAR protein (p.Arg98Gln).

Literature cited by the submitters: PubMed 22032522; PubMed 19438931.

NM_022336.4(EDAR):c.293G>A (p.Arg98Gln)

Genes: EDAR (ectodysplasin A receptor; minus strand), RANBP2 (RAN binding protein 2; plus strand). Cytogenetic location: 2q13.
Variant type: single nucleotide variant.
Coding change: c.293G>A on transcript NM_022336.4 (MANE Select); coding-DNA position 293, G replaced by A.
Protein change: p.Arg98Gln; replaces arginine 98 with glutamine.
Molecular consequence: missense variant.
Genome position (GRCh38, 1-based): chr2:108,929,261, C>T on the plus strand (G>A on the coding strand, the complement: EDAR is on the minus strand). VCF-style: chr2-108929261-C-T. GRCh37 (hg19) VCF-style: chr2-109545717-C-T.
Other names: short protein forms R98Q.
Identifiers: ClinVar variation 2075534 (VCV002075534.4), dbSNP rs144473052, ClinGen allele CA1825135.